The following is an entry in ClinVar:

NM_018646.6(TRPV6):c.429G>A (p.Pro143=)

Gene: TRPV6 (transient receptor potential cation channel subfamily V member 6; minus strand). Cytogenetic location: 7q34.
Variant type: single nucleotide variant.
Coding change: c.429G>A on transcript NM_018646.6 (MANE Select); coding-DNA position 429, G replaced by A.
Protein change: p.Pro143=; no amino-acid change (proline 143 retained).
Molecular consequence: synonymous variant.
Genome position (GRCh38, 1-based): chr7:142,877,691, C>T on the plus strand (G>A on the coding strand, the complement: TRPV6 is on the minus strand). VCF-style: chr7-142877691-C-T. GRCh37 (hg19) VCF-style: chr7-142575444-C-T.
Identifiers: ClinVar variation 3667819 (VCV003667819.3).

ClinVar aggregate classification (germline): Likely benign. Review status: criteria provided, multiple submitters, no conflicts (2 of 4 stars). 2 submissions from 2 submitters: Likely benign (2). Last evaluated 2026-09-01.

gnomAD v4.1: 31 of 1,614,070 alleles (0.0019%); highest among the groups gnomAD compares: Middle Eastern, 0.033%; 1 homozygote.

Submissions (2):

CeGaT Center for Human Genetics Tuebingen
Classification: Likely benign. Last evaluated: 2026-09-01. Review status: criteria provided, single submitter. Criteria: CeGaT Center For Human Genetics Tuebingen Variant Classification Criteria Version 2. Collection method: clinical testing. Allele origin: germline. Affected: yes. Observed: 1 variant allele.
Comment: TRPV6: BP4, BP7

Labcorp Genetics (formerly Invitae), Labcorp
Classification: Likely benign. Last evaluated: 2026-01-05. Review status: criteria provided, single submitter. Criteria: Invitae Variant Classification Sherloc (09022015). Collection method: clinical testing. Allele origin: germline.